The following is an entry in ClinVar:

ClinVar aggregate classification (germline): Uncertain significance (1 of 4 stars; one submission).

Allele frequency attached by ClinVar (database versions not stated): TOPMed 0.00007; ESP Exome Variant Server 0.00015; 1000 Genomes Project 30x 0.00016; 1000 Genomes Project 0.00020; gnomAD 0.00006.

Submission:

Labcorp Genetics (formerly Invitae), Labcorp
Classification: Uncertain significance. Last evaluated: 2026-01-13. Review status: criteria provided, single submitter. Criteria: Invitae Variant Classification Sherloc (09022015). Collection method: clinical testing. Allele origin: germline.
Comment: This sequence change replaces arginine, which is basic and polar, with glutamine, which is neutral and polar, at codon 34 of the IFITM5 protein (p.Arg34Gln). This variant is present in population databases (rs138776304, gnomAD 0.01%). This variant has not been reported in the literature in individuals affected with IFITM5-related conditions. ClinVar contains an entry for this variant (Variation ID: 2954843). An algorithm developed to predict the effect of missense changes on protein structure and function (PolyPhen-2) suggests that this variant is likely to be tolerated. In summary, the available evidence is currently insufficient to determine the role of this variant in disease. Therefore, it has been classified as a Variant of Uncertain Significance.

NM_001025295.3(IFITM5):c.101G>A (p.Arg34Gln)

Gene: IFITM5 (interferon induced transmembrane protein 5; minus strand). Cytogenetic location: 11p15.5.
Variant type: single nucleotide variant.
Coding change: c.101G>A on transcript NM_001025295.3 (MANE Select); coding-DNA position 101, G replaced by A.
Protein change: p.Arg34Gln; replaces arginine 34 with glutamine.
Molecular consequence: missense variant.
Genome position (GRCh38, 1-based): chr11:299,390, C>T on the plus strand (G>A on the coding strand, the complement: IFITM5 is on the minus strand). VCF-style: chr11-299390-C-T. GRCh37 (hg19) VCF-style: chr11-299390-C-T.
Other names: short protein forms R34Q.
Identifiers: ClinVar variation 2954843 (VCV002954843.3), dbSNP rs138776304, ClinGen allele CA5773488.